The following is an entry in ClinVar:

NM_017547.4(FOXRED1):c.449T>G (p.Leu150Arg)

Gene: FOXRED1 (FAD dependent oxidoreductase domain containing 1; plus strand). Cytogenetic location: 11q24.2.
Variant type: single nucleotide variant.
Coding change: c.449T>G on transcript NM_017547.4 (MANE Select); coding-DNA position 449, T replaced by G.
Protein change: p.Leu150Arg; replaces leucine 150 with arginine.
Molecular consequence: missense variant. On other transcripts: non-coding transcript variant (2).
Genome position (GRCh38, 1-based): chr11:126,273,367, T>G. VCF-style: chr11-126273367-T-G. GRCh37 (hg19) VCF-style: chr11-126143262-T-G.
Other names: c.449T>G (NM_017547.3); short protein forms L150R.
Identifiers: ClinVar variation 1505904 (VCV001505904.7), dbSNP rs756631739, ClinGen allele CA6354093.
Genomic context (GRCh38, chr11:126,273,367, plus strand): 5'-TTCTTTCAGGAGCTTCTGTCTGCACACAGGAGTACCTGGCCGTAGTCGATGCTCCTCCCC[T>G]GGACCTCCGGTTCAACCCCTCGGGCTACCTCTTGCTGGCTTCAGAAAAGGATGCTGCAGC-3'
Protein context (NP_060017.1, residues 140-160): EYLAVVDAPP[Leu150Arg]DLRFNPSGYL

ClinVar aggregate classification (germline): Uncertain significance. Review status: criteria provided, multiple submitters, no conflicts (2 of 4 stars). 5 submissions from 5 submitters: Uncertain significance (5). Last evaluated 2026-01-12.

Conditions:
Mitochondrial complex I deficiency, nuclear type 19. Also called: Mitochondrial complex 1 deficiency, nuclear type 19. Identifiers: MedGen C4748791, MONDO:0032624, OMIM 618241.
Inborn genetic diseases. Identifiers: MedGen C0950123, MeSH D030342.

Allele frequency attached by ClinVar (database versions not stated): TOPMed 0.00001; ExAC 0.00005.
gnomAD v4.1: 34 of 1,613,872 alleles (0.0021%); highest among the groups gnomAD compares: Non-Finnish European, 0.0026%; no homozygotes.

Submissions (5):

Labcorp Genetics (formerly Invitae), Labcorp
Classification: Uncertain significance. Last evaluated: 2026-01-12. Review status: criteria provided, single submitter. Criteria: Invitae Variant Classification Sherloc (09022015). Collection method: clinical testing. Allele origin: germline.
Comment: This sequence change replaces leucine, which is neutral and non-polar, with arginine, which is basic and polar, at codon 150 of the FOXRED1 protein (p.Leu150Arg). This variant is present in population databases (rs756631739, gnomAD 0.007%). This variant has not been reported in the literature in individuals affected with FOXRED1-related conditions. ClinVar contains an entry for this variant (Variation ID: 1505904). Invitae Evidence Modeling of protein sequence and biophysical properties (such as structural, functional, and spatial information, amino acid conservation, physicochemical variation, residue mobility, and thermodynamic stability) indicates that this missense variant is expected to disrupt FOXRED1 protein function with a positive predictive value of 95%. In summary, the available evidence is currently insufficient to determine the role of this variant in disease. Therefore, it has been classified as a Variant of Uncertain Significance.

Ambry Genetics
Classification: Uncertain significance for Inborn genetic diseases. Last evaluated: 2025-11-13. Review status: criteria provided, single submitter. Criteria: Ambry Variant Classification Scheme 2023. Collection method: clinical testing. Allele origin: germline.

Blueprint Genetics
Classification: Uncertain significance. Last evaluated: 2024-11-04. Review status: criteria provided, single submitter. Criteria: ACMG Guidelines, 2015. Collection method: clinical testing. Allele origin: germline.

GeneDx
Classification: Uncertain significance. Last evaluated: 2023-11-27. Review status: criteria provided, single submitter. Criteria: GeneDx Variant Classification Process June 2021. Collection method: clinical testing. Allele origin: germline. Affected: yes.
Comment: Has not been previously published as pathogenic or benign to our knowledge; Not observed at significant frequency in large population cohorts (gnomAD); In silico analysis supports that this missense variant has a deleterious effect on protein structure/function

Baylor Genetics
Classification: Uncertain significance for Mitochondrial complex I deficiency, nuclear type 19. Last evaluated: 2022-07-06. Review status: criteria provided, single submitter. Criteria: ACMG Guidelines, 2015. Collection method: clinical testing. Allele origin: unknown.